The following is an entry in ClinVar:

ClinVar aggregate classification (germline): Pathogenic. Review status: criteria provided, single submitter (1 of 4 stars). 2 submissions from 2 submitters: Pathogenic (1). 1 of the submissions does not count toward it. Last evaluated 2024-02-23.

Conditions:
Bloom syndrome (BLM). Also called: Bloom-Torre-Machacek syndrome. Identifiers: Orphanet 125, MedGen C0005859, MONDO:0008876, OMIM 210900.

Submissions (2):

Labcorp Genetics (formerly Invitae), Labcorp
Classification: Pathogenic for Bloom syndrome. Last evaluated: 2024-02-23. Review status: criteria provided, single submitter. Criteria: Invitae Variant Classification Sherloc (09022015). Collection method: clinical testing. Allele origin: germline.
Comment: This sequence change creates a premature translational stop signal (p.Ser1197Valfs*2) in the BLM gene. It is expected to result in an absent or disrupted protein product. Loss-of-function variants in BLM are known to be pathogenic (PMID: 17407155). This variant is not present in population databases (gnomAD no frequency). This variant has not been reported in the literature in individuals affected with BLM-related conditions. ClinVar contains an entry for this variant (Variation ID: 551725). For these reasons, this variant has been classified as Pathogenic.

Counsyl
Classification: Likely pathogenic for Bloom syndrome. Last evaluated: 2017-05-03. Review status: no assertion criteria provided. Collection method: clinical testing. Allele origin: unknown. Not counted in ClinVar's aggregate classification.

Literature cited by the submitters: PubMed 17407155 (cited by Labcorp Genetics (formerly Invitae), Labcorp).

NM_000057.4(BLM):c.3589del (p.Ser1197fs)

Gene: BLM (BLM RecQ like helicase; plus strand). Cytogenetic location: 15q26.1.
Variant type: Deletion.
Coding change: c.3589del on transcript NM_000057.4 (MANE Select); coding-DNA position 3589, one base deleted (A; older notation c.3589delA).
Protein change: p.Ser1197fs; shifts the reading frame from serine 1197.
Molecular consequence: frameshift variant. On other transcripts: intron variant (1).
Genome position (GRCh38, 1-based): chr15:90,804,197, A deleted. VCF-style (leftmost placement, unchanged base first): chr15-90804196-CA-C. GRCh37 (hg19) VCF-style: chr15-91347426-CA-C.
Other names: c.3589del (LRG_20t1); c.3589del, p.Ser1197fs (NM_001287246.2); c.2464del, p.Ser822fs (NM_001287248.2); c.3359-4940del (NM_001287247.2); short protein forms S1197fs, S822fs.
Identifiers: ClinVar variation 551725 (VCV000551725.9), dbSNP rs1555424376, ClinGen allele CA658824106.